The following is an entry in ClinVar:

ClinVar aggregate classification (germline): Uncertain significance (1 of 4 stars; one submission).

Conditions:
X-linked intellectual disability with marfanoid habitus. Also called: X-linked mental retardation with marfanoid habitus syndrome; Lujan Syndrome; INTELLECTUAL DEVELOPMENTAL DISORDER, X-LINKED, SYNDROMIC, LUJAN-FRYNS TYPE; Lujan Syndrome (LS). Identifiers: Orphanet 776, MedGen C0796022, MONDO:0010655, OMIM 309520.

Submission:

Institute of Human Genetics, University of Leipzig Medical Center
Classification: Uncertain significance for X-linked intellectual disability with marfanoid habitus. Last evaluated: 2026-05-19. Review status: criteria provided, single submitter. Criteria: ACMG Guidelines, 2015. Collection method: clinical testing. Allele origin: maternal. Inheritance: X-linked recessive inheritance. Affected: yes.
Comment: Criteria applied: PM2,PP3

NM_005120.3(MED12):c.6044+876A>G

Gene: MED12 (mediator complex subunit 12; plus strand). Cytogenetic location: Xq13.1.
Variant type: single nucleotide variant.
Coding change: c.6044+876A>G on transcript NM_005120.3 (MANE Select); 876 bases into the intron after coding-DNA position 6044, A replaced by G.
Molecular consequence: intron variant.
Genome position (GRCh38, 1-based): chrX:71,138,819, A>G. VCF-style: chrX-71138819-A-G. GRCh37 (hg19) VCF-style: chrX-70358669-A-G.
Identifiers: ClinVar variation 4857422 (VCV004857422.1).